The following is an entry in ClinVar:

NM_000435.3(NOTCH3):c.4655A>T (p.Gln1552Leu)

Gene: NOTCH3 (notch receptor 3; minus strand). Cytogenetic location: 19p13.12.
Variant type: single nucleotide variant.
Coding change: c.4655A>T on transcript NM_000435.3 (MANE Select); coding-DNA position 4655, A replaced by T.
Protein change: p.Gln1552Leu; replaces glutamine 1552 with leucine.
Molecular consequence: missense variant.
Genome position (GRCh38, 1-based): chr19:15,174,149, T>A on the plus strand (A>T on the coding strand, the complement: NOTCH3 is on the minus strand). VCF-style: chr19-15174149-T-A. GRCh37 (hg19) VCF-style: chr19-15284960-T-A.
Other names: short protein forms Q1552L.
Identifiers: ClinVar variation 3571815 (VCV003571815.1).
Genomic context (GRCh38, chr19:15,174,149, plus strand): 5'-TCCCGACGGGCCCGGGGTTCGGAGCCAGGACTAGGCCGGTGGTAAGGGAAGACCATGGCC[T>A]GGCCGTGCGCGTCCAGGCGGAAGCGCAGCGAGGTGCGCAGGATGGCGCTGAGCCGCTGCA-3'
Protein context (NP_000426.2, residues 1542-1562): SLRFRLDAHG[Gln1552Leu]AMVFPYHRPS

ClinVar aggregate classification (germline): Uncertain significance (1 of 4 stars; one submission).

Submission:

Athena Diagnostics
Classification: Uncertain significance. Last evaluated: 2024-03-29. Review status: criteria provided, single submitter. Criteria: Athena Diagnostics Criteria. Collection method: clinical testing. Allele origin: unknown.
Comment: Available data are insufficient to determine the clinical significance of the variant at this time. The frequency of this variant in the general population is uninformative in assessment of its pathogenicity. This variant has been identified in at least one individual with clinical features associated with this gene. Computational tools predict that this variant is not damaging. Greater than 90% of NOTCH3 pathogenic variants associated with CADASIL involve the gain or loss of a cysteine residue within the epidermal growth factor (EGF)-like repeat domain (PMID: 32457593, 20301673).

Literature cited by the submitters: PubMed 37970308.